The following is an entry in ClinVar:

ClinVar aggregate classification (germline): Benign/Likely benign. Review status: criteria provided, single submitter (1 of 4 stars). 2 submissions from 1 submitter: Benign (1); Likely benign (1). Last evaluated 2018-01-12.

Conditions:
Blau syndrome (BLAUS). Also called: ARTHROCUTANEOUVEAL GRANULOMATOSIS; GRANULOMATOSIS, FAMILIAL JUVENILE SYSTEMIC; GRANULOMATOSIS, FAMILIAL, BLAU TYPE; GRANULOMATOUS INFLAMMATORY ARTHRITIS, DERMATITIS, AND UVEITIS, FAMILIAL; JABS SYNDROME. Identifiers: Orphanet 90340, MedGen C5201146, MONDO:0008523, OMIM 186580.
Inflammatory bowel disease 1 (IBD1). Also called: Inflammatory bowel disease 1, Crohn disease; INFLAMMATORY BOWEL DISEASE (CROHN DISEASE) 1. Identifiers: MedGen CN260071, MONDO:0009960, OMIM 266600.

Allele frequency attached by ClinVar (database versions not stated): gnomAD exomes 0.00015; gnomAD 0.00156 and 0.00167; ESP Exome Variant Server 0.00175; TOPMed 0.00194; 1000 Genomes Project 0.00260; 1000 Genomes Project 30x 0.00281.
gnomAD v4.1: 435 of 1,448,276 alleles (0.03%); highest among the groups gnomAD compares: African/African-American, 0.57%; 3 homozygotes.

Submissions (2):

Illumina Laboratory Services, Illumina
Classification: Benign for Blau syndrome. Last evaluated: 2018-01-12. Review status: criteria provided, single submitter. Criteria: ICSL Variant Classification Criteria 13 December 2019. Collection method: clinical testing. Allele origin: germline.
Comment: This variant was observed in the ICSL laboratory as part of a predisposition screen in an ostensibly healthy population. It had not been previously curated by ICSL or reported in the Human Gene Mutation Database (HGMD: prior to June 1st, 2018), and was therefore a candidate for classification through an automated scoring system. Utilizing variant allele frequency, disease prevalence and penetrance estimates, and inheritance mode, an automated score was calculated to assess if this variant is too frequent to cause the disease. Based on the score and internal cut-off values, a variant classified as benign is not then subjected to further curation. The score for this variant resulted in a classification of benign for this disease.

Illumina Laboratory Services, Illumina
Classification: Likely benign for Inflammatory bowel disease 1. Last evaluated: 2018-01-12. Review status: criteria provided, single submitter. Criteria: ICSL Variant Classification Criteria 13 December 2019. Collection method: clinical testing. Allele origin: germline.
Comment: This variant was observed in the ICSL laboratory as part of a predisposition screen in an ostensibly healthy population. It had not been previously curated by ICSL or reported in the Human Gene Mutation Database (HGMD: prior to June 1st, 2018), and was therefore a candidate for classification through an automated scoring system. Utilizing variant allele frequency, disease prevalence and penetrance estimates, and inheritance mode, an automated score was calculated to assess if this variant is too frequent to cause the disease. Based on the score and internal cut-off values, a variant classified as likely benign is not then subjected to further curation. The score for this variant resulted in a classification of likely benign for this disease.

NM_001370466.1(NOD2):c.-8-2302T>C

Gene: NOD2 (nucleotide binding oligomerization domain containing 2; plus strand). Cytogenetic location: 16q12.1.
Variant type: single nucleotide variant.
Coding change: c.-8-2302T>C on transcript NM_001370466.1 (MANE Select); 2302 bases into the intron before 8 bases upstream of the start codon, T replaced by C.
Molecular consequence: intron variant. On other transcripts: 5 prime UTR variant (1).
Genome position (GRCh38, 1-based): chr16:50,697,186, T>C. VCF-style: chr16-50697186-T-C. GRCh37 (hg19) VCF-style: chr16-50731097-T-C.
Other names: c.-58T>C (LRG_177t1, NM_022162.3).
Identifiers: ClinVar variation 319420 (VCV000319420.7), dbSNP rs139485985, ClinGen allele CA10648441.
Genomic context (GRCh38, chr16:50,697,186, plus strand): 5'-GAAGGTGGGGTTGGTAGACAGATCCAGGCTCACCAGTCCTGTGCCACTGGGCTTTTGGCG[T>C]TCTGCACAAGGCCTACCCGCAGATGCCATGCCTGCTCCCCCAGCCTAATGGGCTTTGATG-3'